The following is an entry in ClinVar:

NM_007373.4(SHOC2):c.448A>C (p.Thr150Pro)

Gene: SHOC2 (SHOC2 leucine rich repeat scaffold protein; plus strand). Cytogenetic location: 10q25.2.
Variant type: single nucleotide variant.
Coding change: c.448A>C on transcript NM_007373.4 (MANE Select); coding-DNA position 448, A replaced by C.
Protein change: p.Thr150Pro; replaces threonine 150 with proline.
Molecular consequence: missense variant. On other transcripts: 5 prime UTR variant (1), non-coding transcript variant (1), intron variant (3).
Genome position (GRCh38, 1-based): chr10:110,964,806, A>C. VCF-style: chr10-110964806-A-C. GRCh37 (hg19) VCF-style: chr10-112724564-A-C.
Other names: c.448A>C, p.Thr150Pro (NM_001269039.3, NM_001324336.2, NM_001324337.2 and 4 more transcripts); c.-339A>C (NM_001441188.1); c.-380-20822A>C (NM_001441190.1); c.-249-20822A>C (NM_001441191.1); c.-242-35609A>C (NM_001441189.1); short protein forms T150P.
Identifiers: ClinVar variation 4740844 (VCV004740844.1).

ClinVar aggregate classification (germline): Uncertain significance (1 of 4 stars; one submission).

Conditions:
RASopathy. Also called: Noonan spectrum disorder; rasopathies. Identifiers: Orphanet 536391, MedGen C5555857, MONDO:0021060.

Submission:

Labcorp Genetics (formerly Invitae), Labcorp
Classification: Uncertain significance for RASopathy. Last evaluated: 2025-03-04. Review status: criteria provided, single submitter. Criteria: Invitae Variant Classification Sherloc (09022015). Collection method: clinical testing. Allele origin: germline.
Comment: This sequence change replaces threonine, which is neutral and polar, with proline, which is neutral and non-polar, at codon 150 of the SHOC2 protein (p.Thr150Pro). This variant is not present in population databases (gnomAD no frequency). This variant has not been reported in the literature in individuals affected with SHOC2-related conditions. Invitae Evidence Modeling of protein sequence and biophysical properties (such as structural, functional, and spatial information, amino acid conservation, physicochemical variation, residue mobility, and thermodynamic stability) indicates that this missense variant is not expected to disrupt SHOC2 protein function with a negative predictive value of 80%. In summary, the available evidence is currently insufficient to determine the role of this variant in disease. Therefore, it has been classified as a Variant of Uncertain Significance.